The following is an entry in ClinVar:

NM_012193.4(FZD4):c.327G>C (p.Lys109Asn)

Genes: FZD4 (frizzled class receptor 4; minus strand), PRSS23 (serine protease 23; plus strand). Cytogenetic location: 11q14.2.
Variant type: single nucleotide variant.
Coding change: c.327G>C on transcript NM_012193.4 (MANE Select); coding-DNA position 327, G replaced by C.
Protein change: p.Lys109Asn; replaces lysine 109 with asparagine.
Molecular consequence: missense variant. On other transcripts: non-coding transcript variant (2).
Genome position (GRCh38, 1-based): chr11:86,952,429, C>G on the plus strand (G>C on the coding strand, the complement: FZD4 is on the minus strand). VCF-style: chr11-86952429-C-G. GRCh37 (hg19) VCF-style: chr11-86663471-C-G.
Other names: short protein forms K109N.
Identifiers: ClinVar variation 3647701 (VCV003647701.2).

ClinVar aggregate classification (germline): Uncertain significance (1 of 4 stars; one submission).

gnomAD v4.1: 1 of 1,613,934 alleles (0.000062%); highest among the groups gnomAD compares: Admixed American, 0.0017%; no homozygotes.

Submission:

Labcorp Genetics (formerly Invitae), Labcorp
Classification: Uncertain significance. Last evaluated: 2024-03-26. Review status: criteria provided, single submitter. Criteria: Invitae Variant Classification Sherloc (09022015). Collection method: clinical testing. Allele origin: germline.
Comment: This sequence change replaces lysine, which is basic and polar, with asparagine, which is neutral and polar, at codon 109 of the FZD4 protein (p.Lys109Asn). This variant is present in population databases (no rsID available, gnomAD 0.003%). This variant has not been reported in the literature in individuals affected with FZD4-related conditions. Advanced modeling of protein sequence and biophysical properties (such as structural, functional, and spatial information, amino acid conservation, physicochemical variation, residue mobility, and thermodynamic stability) performed at Invitae indicates that this missense variant is not expected to disrupt FZD4 protein function with a negative predictive value of 80%. In summary, the available evidence is currently insufficient to determine the role of this variant in disease. Therefore, it has been classified as a Variant of Uncertain Significance.